The following is an entry in ClinVar:

ClinVar aggregate classification (germline): Uncertain significance (1 of 4 stars; one submission).

Conditions:
Peroxisome biogenesis disorder. Identifiers: Orphanet 79189, MedGen C1832200, MONDO:0019234. Disease mechanism: loss of function.

Submission:

Labcorp Genetics (formerly Invitae), Labcorp
Classification: Uncertain significance for Peroxisome biogenesis disorder. Last evaluated: 2021-04-17. Review status: criteria provided, single submitter. Criteria: Invitae Variant Classification Sherloc (09022015). Collection method: clinical testing. Allele origin: germline.
Comment: This variant is not present in population databases (ExAC no frequency). In summary, the available evidence is currently insufficient to determine the role of this variant in disease. Therefore, it has been classified as a Variant of Uncertain Significance. This variant disrupts the C-terminus of the PEX16 protein. Other variant(s) that disrupt this region (p.Ile330Serfs*27) have been observed in individuals with PEX16-related conditions (PMID: 20647552). This suggests that this may be a clinically significant region of the protein. Experimental studies and prediction algorithms are not available or were not evaluated, and the functional significance of this variant is currently unknown. This variant has not been reported in the literature in individuals with PEX16-related conditions. This sequence change results in a frameshift in the PEX16 gene (p.Met321Glyfs*135). While this is not anticipated to result in nonsense mediated decay, it is expected to disrupt the last 16 amino acid(s) of the PEX16 protein and extend the protein by 118 additional amino acid residues.

Literature cited by the submitters: PubMed 20647552.

NM_004813.4(PEX16):c.960_961del (p.Met321fs)

Gene: PEX16 (peroxisomal biogenesis factor 16; minus strand). Cytogenetic location: 11p11.2.
Variant type: Deletion.
Coding change: c.960_961del on transcript NM_004813.4 (MANE Select); coding-DNA positions 960 to 961, 2 bases deleted (CA; older notation c.960_961delCA).
Protein change: p.Met321fs; shifts the reading frame from methionine 321.
Molecular consequence: frameshift variant. On other transcripts: intron variant (1).
Genome position (GRCh38, 1-based): chr11:45,910,304-45,910,305, TG deleted on the plus strand (CA on the coding strand, the reverse complement: PEX16 is on the minus strand). VCF-style (leftmost placement, unchanged base first): chr11-45910303-ATG-A. GRCh37 (hg19) VCF-style: chr11-45931854-ATG-A.
Other names: c.953-128_953-127del (NM_057174.3); short protein forms M321fs.
Identifiers: ClinVar variation 1346269 (VCV001346269.8), dbSNP rs2134685523, ClinGen allele CA2573146326.
Genomic context (GRCh38, chr11:45,910,303, plus strand): 5'-CGGGAGGTCTGTCAGCCCCAACTGTAGAAGTAGATTTTCTGCCAGGTGGGCAAGTAATCC[ATG>A]AGCGGCCCTGCAGTGGGAGAGGGACACATCAGGGCAGGCCAGACCCCAATCTGCACTGTG-3'